The following is an entry in ClinVar:

NM_003601.4(SMARCA5):c.2775T>G (p.Ile925Met)

Gene: SMARCA5 (SNF2 related chromatin remodeling ATPase 5; plus strand). Cytogenetic location: 4q31.21.
Variant type: single nucleotide variant.
Coding change: c.2775T>G on transcript NM_003601.4 (MANE Select); coding-DNA position 2775, T replaced by G.
Protein change: p.Ile925Met; replaces isoleucine 925 with methionine.
Molecular consequence: missense variant.
Genome position (GRCh38, 1-based): chr4:143,547,930, T>G. VCF-style: chr4-143547930-T-G. GRCh37 (hg19) VCF-style: chr4-144469083-T-G.
Other names: short protein forms I925M.
Identifiers: ClinVar variation 4086642 (VCV004086642.1).
Genomic context (GRCh38, chr4:143,547,930, plus strand): 5'-TGAAATACAGATTATATAGGATTTGTATTTTATATAATATAAAATCTGACTTTCATAGAT[T>G]GGACGGTACAAAGCACCTTTTCATCAGCTGAGAATATCATATGGTACTAACAAAGGAAAA-3'
Protein context (NP_003592.3, residues 915-935): ISIKKALDTK[Ile925Met]GRYKAPFHQL

ClinVar aggregate classification (germline): Uncertain significance (1 of 4 stars; one submission).

gnomAD v4.1: 1 of 1,548,944 alleles (0.000065%); highest among the groups gnomAD compares: Non-Finnish European, 0.000088%; no homozygotes.

Submission:

GeneDx
Classification: Uncertain significance. Last evaluated: 2025-03-18. Review status: criteria provided, single submitter. Criteria: GeneDx Variant Classification Process June 2021. Collection method: clinical testing. Allele origin: germline. Affected: yes.
Comment: Not observed at significant frequency in large population cohorts (gnomAD); In silico analysis indicates that this missense variant does not alter protein structure/function; Has not been previously published as pathogenic or benign to our knowledge